The following is an entry in ClinVar:

ClinVar aggregate classification (germline): Uncertain significance. Review status: criteria provided, multiple submitters, no conflicts (2 of 4 stars). 2 submissions from 2 submitters: Uncertain significance (2). Last evaluated 2025-04-09.

Conditions:
Inborn genetic diseases. Identifiers: MedGen C0950123, MeSH D030342.
Cardiovascular phenotype. Identifiers: MedGen CN230736.

gnomAD v4.1: 3 of 1,504,456 alleles (0.0002%); highest among the groups gnomAD compares: East Asian, 0.0046%; no homozygotes.

Submissions (2):

Molecular Diagnostic Laboratory for Inherited Cardiovascular Disease, Montreal Heart Institute
Classification: Uncertain significance for Cardiovascular phenotype. Last evaluated: 2025-04-09. Review status: criteria provided, single submitter. Criteria: ACMG Guidelines, 2015. Collection method: clinical testing. Allele origin: germline. Affected: yes.
Comment: PM2, BP4

Ambry Genetics
Classification: Uncertain significance for Inborn genetic diseases. Last evaluated: 2024-02-27. Review status: criteria provided, single submitter. Criteria: Ambry Variant Classification Scheme 2023. Collection method: clinical testing. Allele origin: germline.

NM_006663.4(PPP1R13L):c.676G>A (p.Gly226Ser)

Gene: PPP1R13L (protein phosphatase 1 regulatory subunit 13 like; minus strand). Cytogenetic location: 19q13.32.
Variant type: single nucleotide variant.
Coding change: c.676G>A on transcript NM_006663.4 (MANE Select); coding-DNA position 676, G replaced by A.
Protein change: p.Gly226Ser; replaces glycine 226 with serine.
Molecular consequence: missense variant.
Genome position (GRCh38, 1-based): chr19:45,396,581, C>T on the plus strand (G>A on the coding strand, the complement: PPP1R13L is on the minus strand). VCF-style: chr19-45396581-C-T. GRCh37 (hg19) VCF-style: chr19-45899839-C-T.
Other names: c.676G>A, p.Gly226Ser (NM_001142502.2); short protein forms G226S.
Identifiers: ClinVar variation 3217474 (VCV003217474.2), dbSNP rs752003459, ClinGen allele CA406394163.